The following is an entry in ClinVar:

ClinVar aggregate classification (germline): Uncertain significance (1 of 4 stars; one submission).

gnomAD v4.1: 24 of 1,613,410 alleles (0.0015%); highest among the groups gnomAD compares: African/African-American, 0.013%; no homozygotes.

Submission:

Ambry Genetics
Classification: Uncertain significance. Last evaluated: 2025-01-14. Review status: criteria provided, single submitter. Criteria: Ambry Variant Classification Scheme 2023. Collection method: clinical testing. Allele origin: germline.
Comment: The p.R8* variant (also known as c.22C>T), located in coding exon 1 of the RAD51B gene, results from a C to T substitution at nucleotide position 22. This changes the amino acid from an arginine to a stop codon within coding exon 1. This alteration is expected to result in loss of function by premature protein truncation or nonsense-mediated mRNA decay. The evidence for this gene-disease relationship is limited; therefore, the clinical significance of this alteration is unclear.

NM_133510.4(RAD51B):c.22C>T (p.Arg8Ter)

Gene: RAD51B (RAD51 paralog B; plus strand). Cytogenetic location: 14q24.1.
Variant type: single nucleotide variant.
Coding change: c.22C>T on transcript NM_133510.4 (MANE Select); coding-DNA position 22, C replaced by T.
Protein change: p.Arg8Ter; replaces arginine 8 with a stop codon.
Molecular consequence: nonsense. On other transcripts: 5 prime UTR variant (1).
Genome position (GRCh38, 1-based): chr14:67,823,565, C>T. VCF-style: chr14-67823565-C-T. GRCh37 (hg19) VCF-style: chr14-68290282-C-T.
Other names: c.22C>T, p.Arg8Ter (NM_001321809.2, NM_001321810.2, NM_001321812.1 and 6 more transcripts); c.-434C>T (NM_001321817.2); short protein forms R8*.
Identifiers: ClinVar variation 3786352 (VCV003786352.1).